The following is an entry in ClinVar:

ClinVar aggregate classification (germline): Likely benign (1 of 4 stars; one submission).

Conditions:
Split hand-foot malformation 3. Also called: CHROMOSOME 10q24 DUPLICATION SYNDROME; SHSF3; Buttiens Fryns syndrome. Identifiers: Orphanet 1307, MedGen C1838652, MONDO:0009525, OMIM 246560.

Allele frequency attached by ClinVar (database versions not stated): ExAC 0.00002; gnomAD 0.00002 and 0.00003; gnomAD exomes 0.00003 and 0.00005; TOPMed 0.00004; ESP Exome Variant Server 0.00008.
gnomAD v4.1: 76 of 1,614,102 alleles (0.0047%); highest among the groups gnomAD compares: East Asian, 0.065%; no homozygotes.

Submission:

Illumina Laboratory Services, Illumina
Classification: Likely benign for Split hand-foot malformation 3. Last evaluated: 2018-01-13. Review status: criteria provided, single submitter. Criteria: ICSL Variant Classification Criteria 13 December 2019. Collection method: clinical testing. Allele origin: germline.
Comment: This variant was observed in the ICSL laboratory as part of a predisposition screen in an ostensibly healthy population. It had not been previously curated by ICSL or reported in the Human Gene Mutation Database (HGMD: prior to June 1st, 2018), and was therefore a candidate for classification through an automated scoring system. Utilizing variant allele frequency, disease prevalence and penetrance estimates, and inheritance mode, an automated score was calculated to assess if this variant is too frequent to cause the disease. Based on the score and internal cut-off values, a variant classified as likely benign is not then subjected to further curation. The score for this variant resulted in a classification of likely benign for this disease.

NM_022039.4(FBXW4):c.1254G>A (p.Thr418=)

Gene: FBXW4 (F-box and WD repeat domain containing 4; minus strand). Cytogenetic location: 10q24.32.
Variant type: single nucleotide variant.
Coding change: c.1254G>A on transcript NM_022039.4 (MANE Select); coding-DNA position 1254, G replaced by A.
Protein change: p.Thr418=; no amino-acid change (threonine 418 retained).
Molecular consequence: synonymous variant. On other transcripts: non-coding transcript variant (1).
Genome position (GRCh38, 1-based): chr10:101,624,792, C>T on the plus strand (G>A on the coding strand, the complement: FBXW4 is on the minus strand). VCF-style: chr10-101624792-C-T. GRCh37 (hg19) VCF-style: chr10-103384549-C-T.
Other names: c.528G>A, p.Thr176= (NM_001323541.2).
Identifiers: ClinVar variation 298533 (VCV000298533.5), dbSNP rs142870264, ClinGen allele CA5657296.